The following is an entry in ClinVar:

ClinVar aggregate classification (germline): Uncertain significance (1 of 4 stars; one submission).

Conditions:
Inborn genetic diseases. Identifiers: MedGen C0950123, MeSH D030342.

Submission:

Ambry Genetics
Classification: Uncertain significance for Inborn genetic diseases. Last evaluated: 2020-08-19. Review status: criteria provided, single submitter. Criteria: Ambry Variant Classification Scheme 2023. Collection method: clinical testing. Allele origin: germline.
Comment: The p.L245M variant (also known as c.733C>A), located in coding exon 5 of the SLC5A7 gene, results from a C to A substitution at nucleotide position 733. The leucine at codon 245 is replaced by methionine, an amino acid with highly similar properties. This amino acid position is not well conserved in available vertebrate species. In addition, this alteration is predicted to be tolerated by in silico analysis. Since supporting evidence is limited at this time, the clinical significance of this alteration remains unclear.

NM_021815.5(SLC5A7):c.733C>A (p.Leu245Met)

Gene: SLC5A7 (solute carrier family 5 member 7; plus strand). Cytogenetic location: 2q12.3.
Variant type: single nucleotide variant.
Coding change: c.733C>A on transcript NM_021815.5 (MANE Select); coding-DNA position 733, C replaced by A.
Protein change: p.Leu245Met; replaces leucine 245 with methionine.
Molecular consequence: missense variant. On other transcripts: 5 prime UTR variant (1).
Genome position (GRCh38, 1-based): chr2:108,002,032, C>A. VCF-style: chr2-108002032-C-A. GRCh37 (hg19) VCF-style: chr2-108618488-C-A.
Other names: c.733C>A, p.Leu245Met (NM_001305005.3); c.418C>A, p.Leu140Met (NM_001305006.3); c.-9C>A (NM_001305007.3); short protein forms L245M, L140M.
Identifiers: ClinVar variation 1758400 (VCV001758400.2), dbSNP rs1677929851, ClinGen allele CA348113006.